The following is an entry in ClinVar:

ClinVar aggregate classification (germline): Conflicting classifications of pathogenicity. Review status: criteria provided, conflicting classifications (1 of 4 stars). 2 submissions from 2 submitters: Uncertain significance (1); Likely benign (1). Last evaluated 2024-05-18.

Conditions:
Cardiovascular phenotype. Identifiers: MedGen CN230736.

Allele frequency attached by ClinVar (database versions not stated): gnomAD 0.00001; gnomAD exomes 0.00002; ExAC 0.00005; 1000 Genomes Project 30x 0.00016; 1000 Genomes Project 0.00020.
gnomAD v4.1: 4 of 1,580,308 alleles (0.00025%); highest among the groups gnomAD compares: Admixed American, 0.0054%; no homozygotes.

Submissions (2):

Labcorp Genetics (formerly Invitae), Labcorp
Classification: Uncertain significance. Last evaluated: 2024-05-18. Review status: criteria provided, single submitter. Criteria: Invitae Variant Classification Sherloc (09022015). Collection method: clinical testing. Allele origin: germline.
Comment: This sequence change replaces proline, which is neutral and non-polar, with leucine, which is neutral and non-polar, at codon 87 of the LOX protein (p.Pro87Leu). The frequency data for this variant in the population databases is considered unreliable, as metrics indicate poor data quality at this position in the gnomAD database. This variant has not been reported in the literature in individuals affected with LOX-related conditions. ClinVar contains an entry for this variant (Variation ID: 1464074). Advanced modeling of protein sequence and biophysical properties (such as structural, functional, and spatial information, amino acid conservation, physicochemical variation, residue mobility, and thermodynamic stability) performed at Invitae indicates that this missense variant is not expected to disrupt LOX protein function with a negative predictive value of 80%. In summary, the available evidence is currently insufficient to determine the role of this variant in disease. Therefore, it has been classified as a Variant of Uncertain Significance.

Ambry Genetics
Classification: Likely benign for Cardiovascular phenotype. Last evaluated: 2024-05-15. Review status: criteria provided, single submitter. Criteria: Ambry Variant Classification Scheme 2023. Collection method: clinical testing. Allele origin: germline.

NM_002317.7(LOX):c.260C>T (p.Pro87Leu)

Genes: LOX (lysyl oxidase; minus strand), SRFBP1 (serum response factor binding protein 1; plus strand). Cytogenetic location: 5q23.1.
Variant type: single nucleotide variant.
Coding change: c.260C>T on transcript NM_002317.7 (MANE Select); coding-DNA position 260, C replaced by T.
Protein change: p.Pro87Leu; replaces proline 87 with leucine.
Molecular consequence: missense variant.
Genome position (GRCh38, 1-based): chr5:122,077,726, G>A on the plus strand (C>T on the coding strand, the complement: LOX is on the minus strand). VCF-style: chr5-122077726-G-A. GRCh37 (hg19) VCF-style: chr5-121413421-G-A.
Other names: c.260C>T (NM_002317.5); short protein forms P87L.
Identifiers: ClinVar variation 1464074 (VCV001464074.9), dbSNP rs572413728, ClinGen allele CA3384087.
Genomic context (GRCh38, chr5:122,077,726, plus strand): 5'-GCCGTCCGCGTTCGCGCCGCGGCGGTGCGGTTGTCGCGGATCAGCAGGATCGGAGTGCGG[G>A]GCTGCTGGGCGGAGGCGTTGGCTGCACCAGGGACGGCGGCGCCCGGGTCCCGGCGGCGCT-3'
Protein context (NP_002308.2, residues 77-97): PGAANASAQQ[Pro87Leu]RTPILLIRDN